The following is an entry in ClinVar:

ClinVar aggregate classification (germline): Uncertain significance. Review status: criteria provided, multiple submitters, no conflicts (2 of 4 stars). 2 submissions from 2 submitters: Uncertain significance (2). Last evaluated 2025-08-04.

Allele frequency attached by ClinVar (database versions not stated): gnomAD exomes below 0.00001.
gnomAD v4.1: 4 of 1,614,064 alleles (0.00025%); highest among the groups gnomAD compares: Non-Finnish European, 0.00034%; no homozygotes.

Submissions (2):

Ambry Genetics
Classification: Uncertain significance. Last evaluated: 2025-08-04. Review status: criteria provided, single submitter. Criteria: Ambry Variant Classification Scheme 2023. Collection method: clinical testing. Allele origin: germline.
Comment: The p.P406L variant (also known as c.1217C>T), located in coding exon 7 of the GALNT12 gene, results from a C to T substitution at nucleotide position 1217. The proline at codon 406 is replaced by leucine, an amino acid with similar properties. This amino acid position is conserved. In addition, this alteration is predicted to be tolerated by in silico analysis. Based on the available evidence, the clinical significance of this variant remains unclear.

Labcorp Genetics (formerly Invitae), Labcorp
Classification: Uncertain significance. Last evaluated: 2022-10-10. Review status: criteria provided, single submitter. Criteria: Invitae Variant Classification Sherloc (09022015). Collection method: clinical testing. Allele origin: germline.
Comment: In summary, the available evidence is currently insufficient to determine the role of this variant in disease. Therefore, it has been classified as a Variant of Uncertain Significance. Advanced modeling of protein sequence and biophysical properties (such as structural, functional, and spatial information, amino acid conservation, physicochemical variation, residue mobility, and thermodynamic stability) performed at Invitae indicates that this missense variant is not expected to disrupt GALNT12 protein function. This variant has not been reported in the literature in individuals affected with GALNT12-related conditions. This variant is not present in population databases (gnomAD no frequency). This sequence change replaces proline, which is neutral and non-polar, with leucine, which is neutral and non-polar, at codon 406 of the GALNT12 protein (p.Pro406Leu).

NM_024642.5(GALNT12):c.1217C>T (p.Pro406Leu)

Gene: GALNT12 (polypeptide N-acetylgalactosaminyltransferase 12; plus strand). Cytogenetic location: 9q22.33.
Variant type: single nucleotide variant.
Coding change: c.1217C>T on transcript NM_024642.5 (MANE Select); coding-DNA position 1217, C replaced by T.
Protein change: p.Pro406Leu; replaces proline 406 with leucine.
Molecular consequence: missense variant.
Genome position (GRCh38, 1-based): chr9:98,840,006, C>T. VCF-style: chr9-98840006-C-T. GRCh37 (hg19) VCF-style: chr9-101602288-C-T.
Other names: c.1217C>T (NM_024642.4); short protein forms P406L.
Identifiers: ClinVar variation 1907371 (VCV001907371.6), dbSNP rs2490541085, ClinGen allele CA374220883.